The following is an entry in ClinVar:

NM_024529.5(CDC73):c.490A>G (p.Ile164Val)

Gene: CDC73 (cell division cycle 73; plus strand). Cytogenetic location: 1q31.2.
Variant type: single nucleotide variant.
Coding change: c.490A>G on transcript NM_024529.5 (MANE Select); coding-DNA position 490, A replaced by G.
Protein change: p.Ile164Val; replaces isoleucine 164 with valine.
Molecular consequence: missense variant.
Genome position (GRCh38, 1-based): chr1:193,138,151, A>G. VCF-style: chr1-193138151-A-G. GRCh37 (hg19) VCF-style: chr1-193107281-A-G.
Other names: short protein forms I164V.
Identifiers: ClinVar variation 1744023 (VCV001744023.2), dbSNP rs2527317589, ClinGen allele CA343961304.

ClinVar aggregate classification (germline): Uncertain significance (1 of 4 stars; one submission).

Conditions:
Hereditary cancer-predisposing syndrome. Also called: Hereditary Cancer Syndrome; Neoplastic Syndromes, Hereditary; Tumor predisposition; Hereditary neoplastic syndrome. Identifiers: Orphanet 140162, MedGen C0027672, MeSH D009386, MONDO:0015356.

Submission:

Ambry Genetics
Classification: Uncertain significance for Hereditary cancer-predisposing syndrome. Last evaluated: 2021-12-20. Review status: criteria provided, single submitter. Criteria: Ambry Variant Classification Scheme 2023. Collection method: clinical testing. Allele origin: germline.
Comment: The p.I164V variant (also known as c.490A>G), located in coding exon 6 of the CDC73 gene, results from an A to G substitution at nucleotide position 490. The isoleucine at codon 164 is replaced by valine, an amino acid with highly similar properties. This amino acid position is highly conserved in available vertebrate species. In addition, this alteration is predicted to be tolerated by in silico analysis. Since supporting evidence is limited at this time, the clinical significance of this alteration remains unclear.